The following is an entry in ClinVar:

ClinVar aggregate classification (germline): Uncertain significance. Review status: criteria provided, multiple submitters, no conflicts (2 of 4 stars). 2 submissions from 2 submitters: Uncertain significance (2). Last evaluated 2026-06-23.

Conditions:
FGFR3-related chondrodysplasia. Identifiers: Orphanet 93420, MedGen C5681604, MONDO:0019685.
Thanatophoric dysplasia type 1 (TD1). Also called: Thanatophoric Dysplasia Type 1 (TD Type 1); LETHAL SHORT-LIMBED PLATYSPONDYLIC DWARFISM, SAN DIEGO TYPE; PLATYSPONDYLIC LETHAL SKELETAL DYSPLASIA, SAN DIEGO TYPE. Identifiers: Orphanet 1860, Orphanet 2655, MedGen C1868678, MONDO:0008546, OMIM 187600. Disease mechanism: gain of function.

Submissions (2):

Genomenon, Inc
Classification: Uncertain significance for FGFR3-related chondrodysplasia. Last evaluated: 2026-06-23. Review status: criteria provided, single submitter. Criteria: Genomenon Sequence Variant Interpretation Standards - Updated. Collection method: curation. Allele origin: germline. Affected: no.
Comment: FGFR3 p.Val507Met (c.1519G>A) is a missense variant that changes the amino acid at codon 507 from Valine to Methionine. This variant has been reported in the published literature (PMID:31742715). It is absent or not present at a significant frequency in gnomAD. In silico models predict that this variant is possibly or probably damaging. In conclusion, we classify FGFR3 p.Val507Met (c.1519G>A) as a variant of uncertain significance.

Diagnostics Division, CENTRE FOR DNA FINGERPRINTING AND DIAGNOSTICS
Classification: Uncertain significance for Thanatophoric dysplasia type 1. Last evaluated: 2019-01-01. Review status: criteria provided, single submitter. Criteria: ACMG Guidelines, 2015. Collection method: research. Allele origin: germline. Affected: yes. Observed: 1 homozygote.
Comment: Missense variant

Literature cited by the submitters: PubMed 31742715 (cited by Genomenon, Inc).

NM_000142.5(FGFR3):c.1519G>A (p.Val507Met)

Gene: FGFR3 (fibroblast growth factor receptor 3; plus strand). Cytogenetic location: 4p16.3.
Variant type: single nucleotide variant.
Coding change: c.1519G>A on transcript NM_000142.5 (MANE Select); coding-DNA position 1519, G replaced by A.
Protein change: p.Val507Met; replaces valine 507 with methionine.
Molecular consequence: missense variant. On other transcripts: non-coding transcript variant (1).
Genome position (GRCh38, 1-based): chr4:1,805,461, G>A. VCF-style: chr4-1805461-G-A. GRCh37 (hg19) VCF-style: chr4-1807188-G-A.
Other names: c.1525G>A, p.Val509Met (NM_001163213.2); c.1522G>A, p.Val508Met (NM_001354809.2, NM_001354810.2); c.1183G>A, p.Val395Met (NM_022965.4); short protein forms V395M, V507M, V509M, V508M.
Identifiers: ClinVar variation 633464 (VCV000633464.4), dbSNP rs1560437651, ClinGen allele CA355981268.